The following is an entry in ClinVar:

NM_000512.5(GALNS):c.866A>G (p.Asn289Ser)

Gene: GALNS (galactosamine (N-acetyl)-6-sulfatase; minus strand). Cytogenetic location: 16q24.3.
Variant type: single nucleotide variant.
Coding change: c.866A>G on transcript NM_000512.5 (MANE Select); coding-DNA position 866, A replaced by G.
Protein change: p.Asn289Ser; replaces asparagine 289 with serine.
Molecular consequence: missense variant.
Genome position (GRCh38, 1-based): chr16:88,835,245, T>C on the plus strand (A>G on the coding strand, the complement: GALNS is on the minus strand). VCF-style: chr16-88835245-T-C. GRCh37 (hg19) VCF-style: chr16-88901653-T-C.
Other names: c.311A>G, p.Asn104Ser (NM_001323543.2); c.884A>G, p.Asn295Ser (NM_001323544.2); short protein forms N104S, N289S, N295S.
Identifiers: ClinVar variation 1048426 (VCV001048426.8), dbSNP rs1465096387, ClinGen allele CA397076047.

ClinVar aggregate classification (germline): Conflicting classifications of pathogenicity. Review status: criteria provided, conflicting classifications (1 of 4 stars). 3 submissions from 3 submitters: Pathogenic (1); Likely pathogenic (1); Uncertain significance (1). Last evaluated 2025-06-25.

Conditions:
Mucopolysaccharidosis, MPS-IV-A (MPS4A). Also called: Mucopolysaccharidosis type IV A; Mucopolysaccharidosis Type IVA; Morquio syndrome A, mild; MORQUIO SYNDROME A; MPS IVA; mucopolysaccharidosis type 4A. Identifiers: Orphanet 309297, Orphanet 582, MedGen C0086651, MONDO:0009659, OMIM 253000.

Allele frequency attached by ClinVar (database versions not stated): gnomAD exomes below 0.00001.
gnomAD v4.1: 1 of 1,603,648 alleles (0.000062%); highest among the groups gnomAD compares: Non-Finnish European, 0.000085%; no homozygotes.

Submissions (3):

Women's Health and Genetics/Laboratory Corporation of America, LabCorp
Classification: Uncertain significance. Last evaluated: 2025-06-25. Review status: criteria provided, single submitter. Criteria: LabCorp Variant Classification Summary - May 2015. Collection method: clinical testing. Allele origin: germline.
Comment: Variant summary: GALNS c.866A>G (p.Asn289Ser) results in a conservative amino acid change located in the Sulfatase, N-terminal (IPR000917) of the encoded protein sequence. Algorithms developed to predict the effect of missense changes on protein structure and function are either unavailable or do not agree on the potential impact of this missense change. The variant allele was found at a frequency of 4.3e-06 in 233974 control chromosomes (gnomAD). c.866A>G has been reported in the literature at a homozygous state in one individual affected with Mucopolysaccharidosis Type IVA (Morquio Syndrome A) (example, Wang_2010). These data indicate that the variant may be associated with disease. Computational analysis based on X-ray crystallography of GALNS protein suggest Asn289 may be within the predicted active cavity and involved in enzymeligand interaction (Olarte-Avellaneda_2014, Rivera-Colon_2012). However, to our knowledge, no experimental evidence demonstrating an impact on protein function has been reported. The following publications have been ascertained in the context of this evaluation (PMID: 25287660, 22940367, 20574428). ClinVar contains an entry for this variant (Variation ID: 1048426). Based on the evidence outlined above, the variant was classified as VUS-possibly pathogenic.

Labcorp Genetics (formerly Invitae), Labcorp
Classification: Pathogenic for Mucopolysaccharidosis, MPS-IV-A. Last evaluated: 2025-05-14. Review status: criteria provided, single submitter. Criteria: Invitae Variant Classification Sherloc (09022015). Collection method: clinical testing. Allele origin: germline.
Comment: This sequence change replaces asparagine, which is neutral and polar, with serine, which is neutral and polar, at codon 289 of the GALNS protein (p.Asn289Ser). The frequency data for this variant in the population databases is considered unreliable, as metrics indicate poor data quality at this position in the gnomAD database. This missense change has been observed in individual(s) with mucopolysaccharidosis IVA (PMID: 20574428). ClinVar contains an entry for this variant (Variation ID: 1048426). Invitae Evidence Modeling of protein sequence and biophysical properties (such as structural, functional, and spatial information, amino acid conservation, physicochemical variation, residue mobility, and thermodynamic stability) indicates that this missense variant is expected to disrupt GALNS protein function with a positive predictive value of 95%. This variant disrupts the p.Asn289 amino acid residue in GALNS. Other variant(s) that disrupt this residue have been determined to be pathogenic (PMID: 24726177). This suggests that this residue is clinically significant, and that variants that disrupt this residue are likely to be disease-causing. For these reasons, this variant has been classified as Pathogenic.

Laboratory of Diagnosis and Therapy of Lysosomal Disorders, University of Padova
Classification: Likely pathogenic for Mucopolysaccharidosis, MPS-IV-A. Last evaluated: 2021-02-01. Review status: criteria provided, single submitter. Criteria: ACMG Guidelines, 2015. Collection method: curation. Allele origin: germline. Affected: yes.
Comment: In vivo functional studies supportive of a damaging effect on the gene product (low to null enzymatic activity in homozygotes; PS3_supporting); the prevalence of the variant in affected individuals is significantly increased compared with the prevalence in controls (PS4_supporting); located in a mutational hot spot and/or critical and well-established functional domain without benign variation (PM1_moderate); absent from gnomAD v2.1.1 (PM2_moderate); multiple lines of computational evidence support a deleterious effect on the gene (PP3_supporting)

Literature cited by the submitters: PubMed 25287660 (cited by Women's Health and Genetics/Laboratory Corporation of America, LabCorp); PubMed 22940367 (cited by Women's Health and Genetics/Laboratory Corporation of America, LabCorp); PubMed 20574428 (cited by 3 submitters); PubMed 24726177 (cited by Labcorp Genetics (formerly Invitae), Labcorp); PubMed 34387910 (cited by Laboratory of Diagnosis and Therapy of Lysosomal Disorders, University of Padova).